The following is an entry in ClinVar:

ClinVar aggregate classification (germline): Conflicting classifications of pathogenicity. Review status: criteria provided, conflicting classifications (1 of 4 stars). 3 submissions from 3 submitters: Uncertain significance (2); Likely benign (1). Last evaluated 2024-11-01.

Submissions (3):

CeGaT Center for Human Genetics Tuebingen
Classification: Uncertain significance. Last evaluated: 2024-11-01. Review status: criteria provided, single submitter. Criteria: CeGaT Center For Human Genetics Tuebingen Variant Classification Criteria Version 2. Collection method: clinical testing. Allele origin: germline. Affected: yes. Observed: 1 variant allele.
Comment: NIPBL: PM4:Supporting

Blueprint Genetics
Classification: Likely benign. Last evaluated: 2023-12-05. Review status: criteria provided, single submitter. Criteria: ACMG Guidelines, 2015. Collection method: clinical testing. Allele origin: germline.

GeneDx
Classification: Uncertain significance. Last evaluated: 2019-11-05. Review status: criteria provided, single submitter. Criteria: GeneDx Variant Classification Process June 2021. Collection method: clinical testing. Allele origin: germline. Affected: yes.
Comment: In-frame deletion of one amino acids in a non-repeat region; In silico analysis, which includes protein predictors and evolutionary conservation, supports a deleterious effect; Has not been previously published as pathogenic or benign to our knowledge

NM_133433.4(NIPBL):c.3666TGA[3] (p.Asp1225del)

Gene: NIPBL (NIPBL cohesin loading factor; plus strand). Cytogenetic location: 5p13.2.
Variant type: Microsatellite.
Coding change: c.3666TGA[3] on transcript NM_133433.4 (MANE Select); three copies in a row of the 3-base unit TGA starting at c.3666; the reference has four copies in a row; one copy, 3 bases deleted.
Protein change: p.Asp1225del; deletes aspartic acid 1225.
Molecular consequence: inframe deletion.
Genome position (GRCh38, 1-based): chr5:37,002,672-37,002,674, TGA deleted; deleting any 3 consecutive bases within chr5:37,002,663-37,002,674 gives the same sequence; the position shown is the placement nearest the transcript's 3' end. VCF-style (leftmost placement, unchanged base first): chr5-37002662-GTGA-G. GRCh37 (hg19) VCF-style: chr5-37002764-GTGA-G.
Other names: c.3666TGA[3], p.Asp1225del (NM_015384.5); short protein forms D1225del.
Identifiers: ClinVar variation 1192802 (VCV001192802.17), dbSNP rs772674746, ClinGen allele CA3236406.
Genomic context (GRCh38, chr5:37,002,662, plus strand): 5'-CATTTTGAACTATTTTATTTACCTAAACTTTGTTTGTGTTTGTTTGGCTTGATTTTGCAG[GTGA>G]TGATGATGAAATTCCTCAGGAACTGCTCTTAGGAAAACATCAGCTTAATGAACTTGGCAG-3'